The following is an entry in ClinVar:

ClinVar aggregate classification (germline): Uncertain significance (1 of 4 stars; one submission).

Conditions:
Bethlem myopathy 1A. Also called: MYOPATHY, BENIGN CONGENITAL, WITH CONTRACTURES; Bethlem myopathy 1; Bethlem Muscular Dystrophy. Identifiers: Orphanet 610, MedGen CN029274, MONDO:0024530, OMIM 158810.

Allele frequency attached by ClinVar (database versions not stated): gnomAD exomes below 0.00001 and 0.00001; TOPMed below 0.00001; gnomAD 0.00001.
gnomAD v4.1: 19 of 1,614,088 alleles (0.0012%); highest among the groups gnomAD compares: Non-Finnish European, 0.0016%; no homozygotes.

Submission:

Labcorp Genetics (formerly Invitae), Labcorp
Classification: Uncertain significance for Bethlem myopathy 1A. Last evaluated: 2025-06-11. Review status: criteria provided, single submitter. Criteria: Invitae Variant Classification Sherloc (09022015). Collection method: clinical testing. Allele origin: germline.
Comment: This sequence change replaces leucine, which is neutral and non-polar, with phenylalanine, which is neutral and non-polar, at codon 941 of the COL6A3 protein (p.Leu941Phe). This variant is present in population databases (no rsID available, gnomAD 0.0009%). This variant has not been reported in the literature in individuals affected with COL6A3-related conditions. ClinVar contains an entry for this variant (Variation ID: 1514290). Invitae Evidence Modeling of protein sequence and biophysical properties (such as structural, functional, and spatial information, amino acid conservation, physicochemical variation, residue mobility, and thermodynamic stability) indicates that this missense variant is not expected to disrupt COL6A3 protein function with a negative predictive value of 80%. In summary, the available evidence is currently insufficient to determine the role of this variant in disease. Therefore, it has been classified as a Variant of Uncertain Significance.

NM_004369.4(COL6A3):c.2821C>T (p.Leu941Phe)

Gene: COL6A3 (collagen type VI alpha 3 chain; minus strand). Cytogenetic location: 2q37.3.
Variant type: single nucleotide variant.
Coding change: c.2821C>T on transcript NM_004369.4 (MANE Select); coding-DNA position 2821, C replaced by T.
Protein change: p.Leu941Phe; replaces leucine 941 with phenylalanine.
Molecular consequence: missense variant.
Genome position (GRCh38, 1-based): chr2:237,377,021, G>A on the plus strand (C>T on the coding strand, the complement: COL6A3 is on the minus strand). VCF-style: chr2-237377021-G-A. GRCh37 (hg19) VCF-style: chr2-238285664-G-A.
Other names: c.1600C>T, p.Leu534Phe (NM_057164.5); c.2203C>T, p.Leu735Phe (NM_057165.5, NM_057167.4); c.1000C>T, p.Leu334Phe (NM_057166.5); short protein forms L735F, L334F, L534F, L941F.
Identifiers: ClinVar variation 1514290 (VCV001514290.6), dbSNP rs1441141878, ClinGen allele CA351209884.